The following is an entry in ClinVar:

ClinVar aggregate classification (germline): Uncertain significance. Review status: criteria provided, multiple submitters, no conflicts (2 of 4 stars). 2 submissions from 2 submitters: Uncertain significance (2). Last evaluated 2022-03-12.

Conditions:
Developmental and epileptic encephalopathy, 14 (DEE14). Also called: Early infantile epileptic encephalopathy 14. Identifiers: Orphanet 293181, MedGen C3554195, MONDO:0013989, OMIM 614959.
Autosomal dominant nocturnal frontal lobe epilepsy 5. Also called: KCNT1-Related Epilepsy; CILIARY DYSKINESIA, PRIMARY, 28, WITHOUT SITUS INVERSUS; CILIARY DYSKINESIA, PRIMARY, 28, WITH SITUS INVERSUS; Epilepsy, nocturnal frontal lobe, 5. Identifiers: Orphanet 98784, MedGen C3554306, MONDO:0014002, OMIM 615005.

Allele frequency attached by ClinVar (database versions not stated): gnomAD 0.00001; gnomAD exomes 0.00001 and 0.00002; ExAC 0.00002.
gnomAD v4.1: 14 of 1,613,862 alleles (0.00087%); highest among the groups gnomAD compares: South Asian, 0.0088%; 2 homozygotes.

Submissions (2):

Labcorp Genetics (formerly Invitae), Labcorp
Classification: Uncertain significance for Autosomal dominant nocturnal frontal lobe epilepsy 5; Developmental and epileptic encephalopathy, 14. Last evaluated: 2022-03-12. Review status: criteria provided, single submitter. Criteria: Invitae Variant Classification Sherloc (09022015). Collection method: clinical testing. Allele origin: germline.
Comment: This variant is present in population databases (rs747191095, gnomAD 0.01%). This sequence change replaces arginine, which is basic and polar, with histidine, which is basic and polar, at codon 828 of the KCNT1 protein (p.Arg828His). This variant has not been reported in the literature in individuals affected with KCNT1-related conditions. In summary, the available evidence is currently insufficient to determine the role of this variant in disease. Therefore, it has been classified as a Variant of Uncertain Significance. Advanced modeling of protein sequence and biophysical properties (such as structural, functional, and spatial information, amino acid conservation, physicochemical variation, residue mobility, and thermodynamic stability) performed at Invitae indicates that this missense variant is expected to disrupt KCNT1 protein function. ClinVar contains an entry for this variant (Variation ID: 1304136).

GeneDx
Classification: Uncertain significance. Last evaluated: 2018-09-10. Review status: criteria provided, single submitter. Criteria: GeneDx Variant Classification Process June 2021. Collection method: clinical testing. Allele origin: germline. Affected: yes.
Comment: In silico analysis, which includes protein predictors and evolutionary conservation, supports a deleterious effect; Has not been previously published as pathogenic or benign to our knowledge

NM_020822.3(KCNT1):c.2483G>A (p.Arg828His)

Gene: KCNT1 (potassium sodium-activated channel subfamily T member 1; plus strand). Cytogenetic location: 9q34.3.
Variant type: single nucleotide variant.
Coding change: c.2483G>A on transcript NM_020822.3 (MANE Select); coding-DNA position 2483, G replaced by A.
Protein change: p.Arg828His; replaces arginine 828 with histidine.
Molecular consequence: missense variant.
Genome position (GRCh38, 1-based): chr9:135,777,471, G>A. VCF-style: chr9-135777471-G-A. GRCh37 (hg19) VCF-style: chr9-138669317-G-A.
Other names: c.2348G>A, p.Arg783His (NM_001272003.2); short protein forms R783H, R828H.
Identifiers: ClinVar variation 1304136 (VCV001304136.6), dbSNP rs747191095, ClinGen allele CA5327315.
Genomic context (GRCh38, chr9:135,777,471, plus strand): 5'-AGACGGCCGGCAATGGGCTGTACAACTTCATCGTGCCACTGCGGGCCTACTACAGATCCC[G>A]CAAGGAGCTGAACCCCATCGTGCTGCTGCTGGACAACAAGTGAGGCTCCTGGGGCTCAGC-3'
Protein context (NP_065873.2, residues 818-838): IVPLRAYYRS[Arg828His]KELNPIVLLL